The following is an entry in ClinVar:

NM_014844.5(TECPR2):c.1342A>G (p.Ser448Gly)

Gene: TECPR2 (tectonin beta-propeller repeat containing 2; plus strand). Cytogenetic location: 14q32.31.
Variant type: single nucleotide variant.
Coding change: c.1342A>G on transcript NM_014844.5 (MANE Select); coding-DNA position 1342, A replaced by G.
Protein change: p.Ser448Gly; replaces serine 448 with glycine.
Molecular consequence: missense variant.
Genome position (GRCh38, 1-based): chr14:102,432,053, A>G. VCF-style: chr14-102432053-A-G. GRCh37 (hg19) VCF-style: chr14-102898390-A-G.
Other names: c.1342A>G, p.Ser448Gly (NM_001172631.3); short protein forms S448G.
Identifiers: ClinVar variation 1515646 (VCV001515646.5), dbSNP rs1889511402, ClinGen allele CA391055787.

ClinVar aggregate classification (germline): Uncertain significance (1 of 4 stars; one submission).

Conditions:
Hereditary spastic paraplegia 49 (HSAN9). Also called: Spastic paraplegia 49, autosomal recessive; TECPR2-Related Hereditary Sensory and Autonomic Neuropathy with Intellectual Disability; NEUROPATHY, HEREDITARY SENSORY AND AUTONOMIC, TYPE IX, WITH DEVELOPMENTAL DELAY. Identifiers: Orphanet 320385, MedGen C5190860, MONDO:0014016, OMIM 615031.

Submission:

Labcorp Genetics (formerly Invitae), Labcorp
Classification: Uncertain significance for Hereditary spastic paraplegia 49. Last evaluated: 2021-08-27. Review status: criteria provided, single submitter. Criteria: Invitae Variant Classification Sherloc (09022015). Collection method: clinical testing. Allele origin: germline.
Comment: This sequence change replaces serine with glycine at codon 448 of the TECPR2 protein (p.Ser448Gly). The serine residue is moderately conserved and there is a small physicochemical difference between serine and glycine. This variant is not present in population databases (ExAC no frequency). This variant has not been reported in the literature in individuals affected with TECPR2-related conditions. Algorithms developed to predict the effect of missense changes on protein structure and function are either unavailable or do not agree on the potential impact of this missense change (SIFT: "Tolerated"; PolyPhen-2: "Probably Damaging"; Align-GVGD: "Class C0"). In summary, the available evidence is currently insufficient to determine the role of this variant in disease. Therefore, it has been classified as a Variant of Uncertain Significance.